The following is an entry in ClinVar:

NM_000094.4(COL7A1):c.3187C>T (p.Gln1063Ter)

Gene: COL7A1 (collagen type VII alpha 1 chain; minus strand). Cytogenetic location: 3p21.31.
Variant type: single nucleotide variant.
Coding change: c.3187C>T on transcript NM_000094.4 (MANE Select); coding-DNA position 3187, C replaced by T.
Protein change: p.Gln1063Ter; replaces glutamine 1063 with a stop codon.
Molecular consequence: nonsense.
Genome position (GRCh38, 1-based): chr3:48,587,061, G>A on the plus strand (C>T on the coding strand, the complement: COL7A1 is on the minus strand). VCF-style: chr3-48587061-G-A. GRCh37 (hg19) VCF-style: chr3-48624494-G-A.
Other names: short protein forms Q1063*.
Identifiers: ClinVar variation 2890260 (VCV002890260.3), dbSNP rs906583553, ClinGen allele CA352709060.
Genomic context (GRCh38, chr3:48,587,061, plus strand): 5'-GTGCCAACACCAGACGCTCCAGGACCCTCCTCGTAGCCTCCGCACGGTGAGCATTGTCTT[G>A]AGTGGCATGTGGTAGGAACACCACATCCGCCAGGCCACGGGGGCACACTGTAGGAAGGGG-3'

ClinVar aggregate classification (germline): Pathogenic (1 of 4 stars; one submission).

Allele frequency attached by ClinVar (database versions not stated): TOPMed 0.00001.
gnomAD v4.1: 2 of 1,610,534 alleles (0.00012%); highest among the groups gnomAD compares: Non-Finnish European, 0.00017%; no homozygotes.

Submission:

Labcorp Genetics (formerly Invitae), Labcorp
Classification: Pathogenic. Last evaluated: 2023-08-16. Review status: criteria provided, single submitter. Criteria: Invitae Variant Classification Sherloc (09022015). Collection method: clinical testing. Allele origin: germline.
Comment: For these reasons, this variant has been classified as Pathogenic. This variant has not been reported in the literature in individuals affected with COL7A1-related conditions. This variant is not present in population databases (gnomAD no frequency). This sequence change creates a premature translational stop signal (p.Gln1063*) in the COL7A1 gene. It is expected to result in an absent or disrupted protein product. Loss-of-function variants in COL7A1 are known to be pathogenic (PMID: 16971478).

Literature cited by the submitters: PubMed 16971478.